The following is an entry in ClinVar:

ClinVar aggregate classification (germline): Uncertain significance (1 of 4 stars; one submission).

Conditions:
Hereditary cancer-predisposing syndrome. Also called: Neoplastic Syndromes, Hereditary; Tumor predisposition; Hereditary neoplastic syndrome; Hereditary Cancer Syndrome. Identifiers: Orphanet 140162, MedGen C0027672, MeSH D009386, MONDO:0015356.

Submission:

Ambry Genetics
Classification: Uncertain significance for Hereditary cancer-predisposing syndrome. Last evaluated: 2024-01-11. Review status: criteria provided, single submitter. Criteria: Ambry Variant Classification Scheme 2023. Collection method: clinical testing. Allele origin: germline.
Comment: The c.1145-4T>G intronic variant results from a T to G substitution 4 nucleotides upstream from coding exon 11 in the PMS2 gene. This nucleotide position is not well conserved in available vertebrate species. In silico splice site analysis predicts that this alteration may result in the creation or strengthening of a novel splice acceptor site. Since supporting evidence is limited at this time, the clinical significance of this alteration remains unclear.

NM_000535.7(PMS2):c.1145-4T>G

Gene: PMS2 (PMS1 homolog 2, mismatch repair system component; minus strand). Cytogenetic location: 7p22.1.
Variant type: single nucleotide variant.
Coding change: c.1145-4T>G on transcript NM_000535.7 (MANE Select); 4 bases into the intron before coding-DNA position 1145, T replaced by G.
Molecular consequence: intron variant.
Genome position (GRCh38, 1-based): chr7:5,987,624, A>C on the plus strand (T>G on the coding strand, the complement: PMS2 is on the minus strand). VCF-style: chr7-5987624-A-C. GRCh37 (hg19) VCF-style: chr7-6027255-A-C.
Other names: c.212-4T>G (NM_001322011.2, NM_001322012.2); c.779-4T>G (NM_001406886.1); c.821-4T>G (NM_001406884.1); c.740-4T>G (NM_001406890.1, NM_001406895.1, NM_001322004.2 and 16 more transcripts); c.977-4T>G (NM_001406874.1); c.827-4T>G (NM_001322008.2, NM_001406883.1, NM_001406903.1 and 2 more transcripts); c.836-4T>G (NM_001406881.1, NM_001406879.1, NM_001322015.2 and 5 more transcripts); c.374-4T>G (NM_001406911.1); and 13 more.
Identifiers: ClinVar variation 3231974 (VCV003231974.1), dbSNP rs1583324165, ClinGen allele CA2825001543.